The following is an entry in ClinVar:

ClinVar aggregate classification (germline): Likely benign. Review status: reviewed by expert panel (3 of 4 stars). 4 submissions from 4 submitters: Likely benign (1). 3 of the submissions do not count toward it. Last evaluated 2017-06-29.

Conditions:
Hereditary cancer-predisposing syndrome. Also called: Hereditary Cancer Syndrome; Neoplastic Syndromes, Hereditary; Hereditary neoplastic syndrome; Tumor predisposition. Identifiers: Orphanet 140162, MedGen C0027672, MeSH D009386, MONDO:0015356.
Hereditary breast ovarian cancer syndrome. Also called: Hereditary breast and ovarian cancer syndrome (HBOC); Breast and ovarian cancer; Hereditary breast and ovarian cancer syndrome; Hereditary breast and ovarian cancer; BRCA1- and BRCA2-Associated Hereditary Breast and Ovarian Cancer; Hereditary breast and/or ovarian cancer syndrome. Identifiers: Orphanet 145, MedGen C0677776, MeSH D061325, MONDO:0003582. Disease mechanism: loss of function.
Breast-ovarian cancer, familial, susceptibility to, 1 (BROVCA1). Also called: BRCA1 Hereditary Breast and Ovarian Cancer; OVARIAN CANCER, SUSCEPTIBILITY TO. Identifiers: Orphanet 145, MedGen C2676676, MONDO:0011450, OMIM 604370. Disease mechanism: loss of function.

Submissions (4):

Evidence-based Network for the Interpretation of Germline Mutant Alleles (ENIGMA)
Classification: Likely benign for Breast-ovarian cancer, familial, susceptibility to, 1. Last evaluated: 2017-06-29. Review status: reviewed by expert panel. Criteria: ENIGMA BRCA1/2 Classification Criteria (2017-06-29). Collection method: curation. Allele origin: germline.
Comment: Synonymous substitution variant, with low bioinformatic likelihood to result in a splicing aberration (Splicing prior probability 0.02).

Ambry Genetics
Classification: Likely benign for Hereditary cancer-predisposing syndrome. Last evaluated: 2025-07-20. Review status: criteria provided, single submitter. Criteria: Ambry Variant Classification Scheme 2023. Collection method: clinical testing. Allele origin: germline. Not counted in ClinVar's aggregate classification.

Labcorp Genetics (formerly Invitae), Labcorp
Classification: Likely benign for Hereditary breast ovarian cancer syndrome. Last evaluated: 2024-06-03. Review status: criteria provided, single submitter. Criteria: Invitae Variant Classification Sherloc (09022015). Collection method: clinical testing. Allele origin: germline. Not counted in ClinVar's aggregate classification.

GeneDx
Classification: Uncertain significance. Last evaluated: 2015-12-01. Review status: criteria provided, single submitter. Criteria: GeneDx Variant Classification (06012015). Collection method: clinical testing. Allele origin: germline. Affected: yes. Not counted in ClinVar's aggregate classification.
Comment: This variant is denoted BRCA1 c.2865A>T at the DNA level. This variant is silent at the coding level, preserving a Serine at codon 955. It is not predicted to cause abnormal splicing. BRCA1 c.2865A>T was not observed in approximately 6,500 individuals of European and African American ancestry in the NHLBI Exome Sequencing Project, indicating it is not a common benign variant in these populations. The nucleotide which is altered, an adenine (A) at base 2865, is conserved in mammals. Using alternate nomenclature, this variant would be defined as BRCA1 c.2984A>T. This variant has not, to our knowledge, been published in the literature as pathogenic or benign. Based on currently available information, it is unclear whether BRCA1 c.2865A>T is a pathogenic or benign variant. We consider it to be a variant of uncertain significance.

NM_007294.4(BRCA1):c.2865A>T (p.Ser955=)

Gene: BRCA1 (BRCA1 DNA repair associated; minus strand). Cytogenetic location: 17q21.31.
Variant type: single nucleotide variant.
Coding change: c.2865A>T on transcript NM_007294.4 (MANE Select); coding-DNA position 2865, A replaced by T.
Protein change: p.Ser955=; no amino-acid change (serine 955 retained).
Molecular consequence: synonymous variant. On other transcripts: intron variant (137).
Genome position (GRCh38, 1-based): chr17:43,092,666, T>A on the plus strand (A>T on the coding strand, the complement: BRCA1 is on the minus strand). VCF-style: chr17-43092666-T-A. GRCh37 (hg19) VCF-style: chr17-41244683-T-A.
Other names: c.665-1634A>T (NM_001408439.1, NM_001408425.1, NM_001408440.1 and 12 more transcripts); c.671-1634A>T (NM_001408419.1, NM_001408422.1, NM_001408418.1 and 2 more transcripts); c.788-1634A>T (NM_001408403.1, NM_001407983.1, NM_001407975.1 and 17 more transcripts); c.791-1643A>T (NM_001408406.1); c.647-1634A>T (NM_001408456.1, NM_001408410.1, NM_001408458.1 and 11 more transcripts); c.644-1634A>T (NM_001408465.1, NM_001408463.1, NM_001408462.1 and 3 more transcripts); c.578-1634A>T (NM_001408482.1, NM_001408484.1, NM_001408478.1 and 9 more transcripts); c.521-1634A>T (NM_001408504.1, NM_001408503.1, NM_001408505.1); and 41 more.
Identifiers: ClinVar variation 246174 (VCV000246174.14), dbSNP rs748285767, ClinGen allele CA10584566.